The following is an entry in ClinVar:

ClinVar aggregate classification (germline): Uncertain significance. Review status: criteria provided, single submitter (1 of 4 stars). 2 submissions from 2 submitters: Uncertain significance (1). 1 of the submissions does not count toward it. Last evaluated 2025-05-02.

Conditions:
Retinal dystrophy. Also called: Inherited retinal dystrophy. Identifiers: Orphanet 71862, MedGen C0854723, MeSH D058499, MONDO:0019118, HP:0000556.

gnomAD v4.1: 1 of 1,614,072 alleles (0.000062%); highest among the groups gnomAD compares: Non-Finnish European, 0.000085%; no homozygotes.

Submissions (2):

GeneDx
Classification: Uncertain significance. Last evaluated: 2025-05-02. Review status: criteria provided, single submitter. Criteria: GeneDx Variant Classification Process June 2021. Collection method: clinical testing. Allele origin: germline. Affected: yes.
Comment: Not observed at significant frequency in large population cohorts (gnomAD); In silico analysis supports that this missense variant has a deleterious effect on protein structure/function; Has not been previously published as pathogenic or benign to our knowledge

Institute of Human Genetics, Univ. Regensburg, Univ. Regensburg
Classification: Uncertain significance for Retinal dystrophy. Last evaluated: 2016-01-01. Review status: no assertion criteria provided. Criteria: ACMG Guidelines, 2015. Collection method: clinical testing. Allele origin: germline. Affected: yes. Not counted in ClinVar's aggregate classification.

NM_206933.4(USH2A):c.13709G>C (p.Arg4570Pro)

Gene: USH2A (usherin; minus strand). Cytogenetic location: 1q41.
Variant type: single nucleotide variant.
Coding change: c.13709G>C on transcript NM_206933.4 (MANE Select); coding-DNA position 13709, G replaced by C.
Protein change: p.Arg4570Pro; replaces arginine 4570 with proline.
Molecular consequence: missense variant.
Genome position (GRCh38, 1-based): chr1:215,674,202, C>G on the plus strand (G>C on the coding strand, the complement: USH2A is on the minus strand). VCF-style: chr1-215674202-C-G. GRCh37 (hg19) VCF-style: chr1-215847544-C-G.
Other names: c.13709G>C (NM_206933.2); short protein forms R4570P.
Identifiers: ClinVar variation 3249821 (VCV003249821.2).